The following is an entry in ClinVar:

NM_024735.5(FBXO31):c.789C>T (p.His263=)

Gene: FBXO31 (F-box protein 31; minus strand). Cytogenetic location: 16q24.2.
Variant type: single nucleotide variant.
Coding change: c.789C>T on transcript NM_024735.5 (MANE Select); coding-DNA position 789, C replaced by T.
Protein change: p.His263=; no amino-acid change (histidine 263 retained).
Molecular consequence: synonymous variant.
Genome position (GRCh38, 1-based): chr16:87,336,208, G>A on the plus strand (C>T on the coding strand, the complement: FBXO31 is on the minus strand). VCF-style: chr16-87336208-G-A. GRCh37 (hg19) VCF-style: chr16-87369814-G-A.
Other names: c.273C>T, p.His91= (NM_001282683.2).
Identifiers: ClinVar variation 2646954 (VCV002646954.24), dbSNP rs375884594, ClinGen allele CA8219102.

ClinVar aggregate classification (germline): Likely benign (1 of 4 stars; one submission).

Allele frequency attached by ClinVar (database versions not stated): TOPMed 0.00005; gnomAD 0.00006; ESP Exome Variant Server 0.00008.
gnomAD v4.1: 81 of 1,614,086 alleles (0.005%); highest among the groups gnomAD compares: South Asian, 0.02%; no homozygotes.

Submission:

CeGaT Center for Human Genetics Tuebingen
Classification: Likely benign. Last evaluated: 2023-04-01. Review status: criteria provided, single submitter. Criteria: CeGaT Center For Human Genetics Tuebingen Variant Classification Criteria Version 2. Collection method: clinical testing. Allele origin: germline. Affected: yes. Observed: 1 variant allele.
Comment: FBXO31: BP4, BP7